The following is an entry in ClinVar:

ClinVar aggregate classification (germline): Uncertain significance (1 of 4 stars; one submission).

Conditions:
Progressive sclerosing poliodystrophy (MTDPS4A). Also called: ALPERS PROGRESSIVE INFANTILE POLIODYSTROPHY; NEURONAL DEGENERATION OF CHILDHOOD WITH LIVER DISEASE, PROGRESSIVE; Alpers Syndrome; ALPERS DIFFUSE DEGENERATION OF CEREBRAL GRAY MATTER WITH HEPATIC CIRRHOSIS; Alpers-Huttenlocher Syndrome; Mitochondrial DNA depletion syndrome 4A (Alpers type). Identifiers: Orphanet 726, MedGen C0205710, MONDO:0008758, OMIM 203700.

gnomAD v4.1: 24 of 1,586,442 alleles (0.0015%); highest among the groups gnomAD compares: Non-Finnish European, 0.0021%; no homozygotes.

Submission:

Labcorp Genetics (formerly Invitae), Labcorp
Classification: Uncertain significance for Progressive sclerosing poliodystrophy. Last evaluated: 2026-02-03. Review status: criteria provided, single submitter. Criteria: Invitae Variant Classification Sherloc (09022015). Collection method: clinical testing. Allele origin: germline.
Comment: This sequence change replaces arginine, which is basic and polar, with proline, which is neutral and non-polar, at codon 40 of the POLG protein (p.Arg40Pro). This variant is not present in population databases (gnomAD no frequency). This variant has not been reported in the literature in individuals affected with POLG-related conditions. ClinVar contains an entry for this variant (Variation ID: 3691001). Invitae Evidence Modeling of protein sequence and biophysical properties (such as structural, functional, and spatial information, amino acid conservation, physicochemical variation, residue mobility, and thermodynamic stability) indicates that this missense variant is not expected to disrupt POLG protein function with a negative predictive value of 95%. In summary, the available evidence is currently insufficient to determine the role of this variant in disease. Therefore, it has been classified as a Variant of Uncertain Significance.

NM_002693.3(POLG):c.119G>C (p.Arg40Pro)

Genes: POLGARF (POLG alternative reading frame; minus strand), POLG (DNA polymerase gamma, catalytic subunit; minus strand). Cytogenetic location: 15q26.1.
Variant type: single nucleotide variant.
Coding change: c.119G>C on transcript NM_002693.3 (MANE Select); coding-DNA position 119, G replaced by C.
Protein change: p.Arg40Pro; replaces arginine 40 with proline.
Molecular consequence: missense variant. On other transcripts: synonymous variant (1).
Genome position (GRCh38, 1-based): chr15:89,333,636, C>G on the plus strand (G>C on the coding strand, the complement: POLG is on the minus strand). VCF-style: chr15-89333636-C-G. GRCh37 (hg19) VCF-style: chr15-89876867-C-G.
Other names: c.174G>C, p.Ala58= (NM_001430120.1); c.119G>C, p.Arg40Pro (NM_001126131.2); short protein forms R40P.
Identifiers: ClinVar variation 3691001 (VCV003691001.2).
Genomic context (GRCh38, chr15:89,333,636, plus strand): 5'-TGCGGCTGCTGAGGCTGCTGTTGCTGCTGCTGCTGCTGCTGCTGCTGCTGCTGCCGCCGC[C>G]GCTGCCCGTCGCTGGGGTCGGACGCGGGGACGGAGCTGGAGACCCAGCGCCCCGGAGCTG-3'
Protein context (NP_002684.1, residues 30-50): VPASDPSDGQ[Arg40Pro]RRQQQQQQQQ